The following is an entry in ClinVar:

NM_005732.4(RAD50):c.3214_3217del (p.Asn1072fs)

Gene: RAD50 (RAD50 double strand break repair protein; plus strand). Cytogenetic location: 5q31.1.
Variant type: Deletion.
Coding change: c.3214_3217del on transcript NM_005732.4 (MANE Select); coding-DNA positions 3214 to 3217, 4 bases deleted (AATT; older notation c.3214_3217delAATT).
Protein change: p.Asn1072fs; shifts the reading frame from asparagine 1072.
Molecular consequence: frameshift variant.
Genome position (GRCh38, 1-based): chr5:132,618,119-132,618,122, AATT deleted; deleting any 4 consecutive bases within chr5:132,618,118-132,618,122 gives the same sequence; the c. name uses the placement nearest the transcript's 3' end. VCF-style (leftmost placement, unchanged base first): chr5-132618117-ATAAT-A. GRCh37 (hg19) VCF-style: chr5-131953809-ATAAT-A.
Other names: short protein forms N1072fs.
Identifiers: ClinVar variation 1452205 (VCV001452205.6), dbSNP rs2149853830, ClinGen allele CA2573138954.
Genomic context (GRCh38, chr5:132,618,117, plus strand): 5'-TTCTTTTTTACAGTGAACATCAGAAGTTGGAAGAGAACATAGACAATATAAAAAGAAATC[ATAAT>A]TTGGCATTAGGGCGACAGAAAGGTTATGAAGAAGAAATTATTCATTTTAAGAAAGAACTT-3'

ClinVar aggregate classification (germline): Pathogenic (1 of 4 stars; one submission).

Conditions:
Hereditary cancer-predisposing syndrome. Also called: Tumor predisposition; Neoplastic Syndromes, Hereditary; Hereditary Cancer Syndrome; Hereditary neoplastic syndrome. Identifiers: Orphanet 140162, MedGen C0027672, MeSH D009386, MONDO:0015356.

Submission:

Labcorp Genetics (formerly Invitae), Labcorp
Classification: Pathogenic for Hereditary cancer-predisposing syndrome. Last evaluated: 2021-09-17. Review status: criteria provided, single submitter. Criteria: Invitae Variant Classification Sherloc (09022015). Collection method: clinical testing. Allele origin: germline.
Comment: This variant has not been reported in the literature in individuals affected with RAD50-related conditions. For these reasons, this variant has been classified as Pathogenic. This variant is not present in population databases (ExAC no frequency). This sequence change creates a premature translational stop signal (p.Asn1072Trpfs*3) in the RAD50 gene. It is expected to result in an absent or disrupted protein product. Loss-of-function variants in RAD50 are known to be pathogenic (PMID: 19409520).

Literature cited by the submitters: PubMed 19409520.